The following is an entry in ClinVar:

ClinVar aggregate classification (germline): Likely benign (1 of 4 stars; one submission).

Submission:

CeGaT Center for Human Genetics Tuebingen
Classification: Likely benign. Last evaluated: 2026-08-01. Review status: criteria provided, single submitter. Criteria: CeGaT Center For Human Genetics Tuebingen Variant Classification Criteria Version 2. Collection method: clinical testing. Allele origin: germline. Affected: yes. Observed: 7 variant alleles.
Comment: PPFIA1: BP4, BP7

NM_003626.5(PPFIA1):c.2382C>G (p.Leu794=)

Gene: PPFIA1 (PPFI scaffold protein A1; plus strand). Cytogenetic location: 11q13.3.
Variant type: single nucleotide variant.
Coding change: c.2382C>G on transcript NM_003626.5 (MANE Select); coding-DNA position 2382, C replaced by G.
Protein change: p.Leu794=; no amino-acid change (leucine 794 retained).
Molecular consequence: synonymous variant. On other transcripts: non-coding transcript variant (1).
Genome position (GRCh38, 1-based): chr11:70,355,705, C>G. VCF-style: chr11-70355705-C-G. GRCh37 (hg19) VCF-style: chr11-70201811-C-G.
Other names: c.2487C>G, p.Leu829= (NM_001378006.1); c.2382C>G, p.Leu794= (NM_177423.3).
Identifiers: ClinVar variation 2642062 (VCV002642062.24), dbSNP rs1213708101, ClinGen allele CA475244092.